The following is an entry in ClinVar:

ClinVar aggregate classification (germline): Uncertain significance (1 of 4 stars; one submission).

Submission:

Labcorp Genetics (formerly Invitae), Labcorp
Classification: Uncertain significance. Last evaluated: 2025-03-17. Review status: criteria provided, single submitter. Criteria: Invitae Variant Classification Sherloc (09022015). Collection method: clinical testing. Allele origin: germline.
Comment: This sequence change replaces isoleucine, which is neutral and non-polar, with valine, which is neutral and non-polar, at codon 431 of the ZMYND11 protein (p.Ile431Val). This variant is not present in population databases (gnomAD no frequency). This variant has not been reported in the literature in individuals affected with ZMYND11-related conditions. Invitae Evidence Modeling of protein sequence and biophysical properties (such as structural, functional, and spatial information, amino acid conservation, physicochemical variation, residue mobility, and thermodynamic stability) indicates that this missense variant is not expected to disrupt ZMYND11 protein function with a negative predictive value of 80%. In summary, the available evidence is currently insufficient to determine the role of this variant in disease. Therefore, it has been classified as a Variant of Uncertain Significance.

NM_001370100.5(ZMYND11):c.1291A>G (p.Ile431Val)

Genes: ZMYND11 (zinc finger MYND-type containing 11; plus strand), LOC126860802 (BRD4-independent group 4 enhancer GRCh37_chr10:294268-295467; plus strand). Cytogenetic location: 10p15.3.
Variant type: single nucleotide variant.
Coding change: c.1291A>G on transcript NM_001370100.5 (MANE Select); coding-DNA position 1291, A replaced by G.
Protein change: p.Ile431Val; replaces isoleucine 431 with valine.
Molecular consequence: missense variant. On other transcripts: non-coding transcript variant (1).
Genome position (GRCh38, 1-based): chr10:248,399, A>G. VCF-style: chr10-248399-A-G. GRCh37 (hg19) VCF-style: chr10-294339-A-G.
Other names: c.934A>G, p.Ile312Val (NM_001370123.2); c.820A>G, p.Ile274Val (NM_001370124.3); c.1291A>G, p.Ile431Val (NM_006624.7, NM_001370101.2, NM_001370102.2 and 4 more transcripts); c.1288A>G, p.Ile430Val (NM_212479.4, NM_001370115.2); c.1129A>G, p.Ile377Val (NM_001370103.2, NM_001370104.2, NM_001370105.2 and 6 more transcripts); c.1036A>G, p.Ile346Val (NM_001370110.2, NM_001202465.3); c.1126A>G, p.Ile376Val (NM_001202466.3, NM_001370111.2); c.1240A>G, p.Ile414Val (NM_001330057.3, NM_001370112.2); and 8 more; short protein forms I355V, I400V, I274V, I312V, I337V, I346V, I391V, I408V.
Identifiers: ClinVar variation 3658856 (VCV003658856.2).
Genomic context (GRCh38, chr10:248,399, plus strand): 5'-CCAGAGCCTGAAACAGAAGCAGTAAGTTCTAGCCAGGAAATACCCACGATGCCTCAGCCC[A>G]TCGAAAAAGTCTCCGTGTCAACTCAGACAAAGAAGTTAAGTGCCTCTTCACCAAGAATGC-3'
Protein context (NP_001357029.1, residues 421-441): SQEIPTMPQP[Ile431Val]EKVSVSTQTK